The following is an entry in ClinVar:

NM_004456.5(EZH2):c.1516G>A (p.Ala506Thr)

Gene: EZH2 (enhancer of zeste 2 polycomb repressive complex 2 subunit; minus strand). Cytogenetic location: 7q36.1.
Variant type: single nucleotide variant.
Coding change: c.1516G>A on transcript NM_004456.5 (MANE Select); coding-DNA position 1516, G replaced by A.
Protein change: p.Ala506Thr; replaces alanine 506 with threonine.
Molecular consequence: missense variant.
Genome position (GRCh38, 1-based): chr7:148,815,536, C>T on the plus strand (G>A on the coding strand, the complement: EZH2 is on the minus strand). VCF-style: chr7-148815536-C-T. GRCh37 (hg19) VCF-style: chr7-148512628-C-T.
Other names: c.1501G>A, p.Ala501Thr (NM_001203247.2); c.1474G>A, p.Ala492Thr (NM_001203248.2, NM_001203249.2); c.1384G>A, p.Ala462Thr (NM_152998.3); short protein forms A462T, A501T, A506T, A492T.
Identifiers: ClinVar variation 4744364 (VCV004744364.1).
Genomic context (GRCh38, chr7:148,815,536, plus strand): 5'-TAATAATGAGAGGAATGGAAAGATGCTAACCCTTTTTCAGCTGTATCTTTCTGCAGTGTG[C>T]AGCCCACAACCTGCAAAAACACAAAGAAAATTAAACCAAATTTCTGCGGGAAGCTACAAA-3'
Protein context (NP_004447.2, residues 496-516): KKKRKHRLWA[Ala506Thr]HCRKIQLKKD

ClinVar aggregate classification (germline): Uncertain significance (1 of 4 stars; one submission).

Conditions:
Weaver syndrome (WVS). Also called: Weaver Smith syndrome; Overgrowth syndrome with accelerated skeletal maturation, unusual facies, and camptodactyly. Identifiers: Orphanet 3447, MedGen C0265210, MONDO:0010193, OMIM 277590.

Submission:

Labcorp Genetics (formerly Invitae), Labcorp
Classification: Uncertain significance for Weaver syndrome. Last evaluated: 2025-05-21. Review status: criteria provided, single submitter. Criteria: Invitae Variant Classification Sherloc (09022015). Collection method: clinical testing. Allele origin: germline.
Comment: This sequence change replaces alanine, which is neutral and non-polar, with threonine, which is neutral and polar, at codon 506 of the EZH2 protein (p.Ala506Thr). This variant is not present in population databases (gnomAD no frequency). This variant has not been reported in the literature in individuals affected with EZH2-related conditions. Invitae Evidence Modeling of protein sequence and biophysical properties (such as structural, functional, and spatial information, amino acid conservation, physicochemical variation, residue mobility, and thermodynamic stability) indicates that this missense variant is not expected to disrupt EZH2 protein function with a negative predictive value of 80%. In summary, the available evidence is currently insufficient to determine the role of this variant in disease. Therefore, it has been classified as a Variant of Uncertain Significance.